The following is an entry in ClinVar:

NM_001110556.2(FLNA):c.1724G>A (p.Gly575Asp)

Gene: FLNA (filamin A; minus strand). Cytogenetic location: Xq28.
Variant type: single nucleotide variant.
Coding change: c.1724G>A on transcript NM_001110556.2 (MANE Select); coding-DNA position 1724, G replaced by A.
Protein change: p.Gly575Asp; replaces glycine 575 with aspartic acid.
Molecular consequence: missense variant.
Genome position (GRCh38, 1-based): chrX:154,364,925, C>T on the plus strand (G>A on the coding strand, the complement: FLNA is on the minus strand). VCF-style: chrX-154364925-C-T. GRCh37 (hg19) VCF-style: chrX-153593293-C-T.
Other names: c.1724G>A, p.Gly575Asp (NM_001456.4); short protein forms G575D.
Identifiers: ClinVar variation 4887875 (VCV004887875.1).

ClinVar aggregate classification (germline): Uncertain significance (1 of 4 stars; one submission).

Submission:

GeneDx
Classification: Uncertain significance. Last evaluated: 2026-01-28. Review status: criteria provided, single submitter. Criteria: GeneDx Variant Classification Process June 2021. Collection method: clinical testing. Allele origin: germline.
Comment: In silico analysis supports that this missense variant has a deleterious effect on protein structure/function; Has not been previously published as pathogenic or benign to our knowledge